The following is an entry in ClinVar:

ClinVar aggregate classification (germline): Uncertain significance. Review status: criteria provided, multiple submitters, no conflicts (2 of 4 stars). 2 submissions from 2 submitters: Uncertain significance (2). Last evaluated 2025-07-31.

Allele frequency attached by ClinVar (database versions not stated): ExAC 0.00009; ESP Exome Variant Server 0.00031; gnomAD exomes 0.00002; gnomAD 0.00033; TOPMed 0.00036.
gnomAD v4.1: 90 of 1,602,132 alleles (0.0056%); highest among the groups gnomAD compares: African/African-American, 0.098%; no homozygotes.

Submissions (2):

Labcorp Genetics (formerly Invitae), Labcorp
Classification: Uncertain significance. Last evaluated: 2025-07-31. Review status: criteria provided, single submitter. Criteria: Invitae Variant Classification Sherloc (09022015). Collection method: clinical testing. Allele origin: germline.
Comment: This sequence change replaces aspartic acid, which is acidic and polar, with histidine, which is basic and polar, at codon 217 of the TOP1MT protein (p.Asp217His). This variant is present in population databases (rs367544690, gnomAD 0.1%), and has an allele count higher than expected for a pathogenic variant. This variant has not been reported in the literature in individuals affected with TOP1MT-related conditions. ClinVar contains an entry for this variant (Variation ID: 2455647). Invitae Evidence Modeling of protein sequence and biophysical properties (such as structural, functional, and spatial information, amino acid conservation, physicochemical variation, residue mobility, and thermodynamic stability) indicates that this missense variant is not expected to disrupt TOP1MT protein function with a negative predictive value of 80%. In summary, the available evidence is currently insufficient to determine the role of this variant in disease. Therefore, it has been classified as a Variant of Uncertain Significance.

Ambry Genetics
Classification: Uncertain significance. Last evaluated: 2025-03-18. Review status: criteria provided, single submitter. Criteria: Ambry Variant Classification Scheme 2023. Collection method: clinical testing. Allele origin: germline.

NM_052963.3(TOP1MT):c.649G>C (p.Asp217His)

Gene: TOP1MT (DNA topoisomerase I mitochondrial; minus strand). Cytogenetic location: 8q24.3.
Variant type: single nucleotide variant.
Coding change: c.649G>C on transcript NM_052963.3 (MANE Select); coding-DNA position 649, G replaced by C.
Protein change: p.Asp217His; replaces aspartic acid 217 with histidine.
Molecular consequence: missense variant.
Genome position (GRCh38, 1-based): chr8:143,325,368, C>G on the plus strand (G>C on the coding strand, the complement: TOP1MT is on the minus strand). VCF-style: chr8-143325368-C-G. GRCh37 (hg19) VCF-style: chr8-144407538-C-G.
Other names: c.355G>C, p.Asp119His (NM_001258446.1, NM_001258447.1); short protein forms D119H, D217H.
Identifiers: ClinVar variation 2455647 (VCV002455647.5), dbSNP rs367544690, ClinGen allele CA4908758.